The following is an entry in ClinVar:

NM_145059.3(FCSK):c.1318G>C (p.Val440Leu)

Gene: FCSK (fucose kinase; plus strand). Cytogenetic location: 16q22.1.
Variant type: single nucleotide variant.
Coding change: c.1318G>C on transcript NM_145059.3 (MANE Select); coding-DNA position 1318, G replaced by C.
Protein change: p.Val440Leu; replaces valine 440 with leucine.
Molecular consequence: missense variant.
Genome position (GRCh38, 1-based): chr16:70,471,329, G>C. VCF-style: chr16-70471329-G-C. GRCh37 (hg19) VCF-style: chr16-70505232-G-C.
Other names: c.1318G>C (NM_145059.2); short protein forms V440L.
Identifiers: ClinVar variation 3621167 (VCV003621167.3).

ClinVar aggregate classification (germline): Uncertain significance. Review status: criteria provided, multiple submitters, no conflicts (2 of 4 stars). 2 submissions from 2 submitters: Uncertain significance (2). Last evaluated 2025-11-06.

gnomAD v4.1: 64 of 1,593,426 alleles (0.004%); highest among the groups gnomAD compares: Non-Finnish European, 0.0049%; no homozygotes.

Submissions (2):

Ambry Genetics
Classification: Uncertain significance. Last evaluated: 2025-11-06. Review status: criteria provided, single submitter. Criteria: Ambry Variant Classification Scheme 2023. Collection method: clinical testing. Allele origin: germline.

Labcorp Genetics (formerly Invitae), Labcorp
Classification: Uncertain significance. Last evaluated: 2025-01-30. Review status: criteria provided, single submitter. Criteria: Invitae Variant Classification Sherloc (09022015). Collection method: clinical testing. Allele origin: germline.
Comment: This sequence change replaces valine, which is neutral and non-polar, with leucine, which is neutral and non-polar, at codon 440 of the FUK protein (p.Val440Leu). This variant is present in population databases (rs756236846, gnomAD 0.006%). This variant has not been reported in the literature in individuals affected with FUK-related conditions. An algorithm developed to predict the effect of missense changes on protein structure and function (PolyPhen-2) suggests that this variant is likely to be tolerated. In summary, the available evidence is currently insufficient to determine the role of this variant in disease. Therefore, it has been classified as a Variant of Uncertain Significance.